The following is an entry in ClinVar:

ClinVar aggregate classification (germline): Uncertain significance (1 of 4 stars; one submission).

Allele frequency attached by ClinVar (database versions not stated): gnomAD exomes below 0.00001.
gnomAD v4.1: 1 of 1,614,146 alleles (0.000062%); highest among the groups gnomAD compares: Admixed American, 0.0017%; no homozygotes.

Submission:

Labcorp Genetics (formerly Invitae), Labcorp
Classification: Uncertain significance. Last evaluated: 2021-08-30. Review status: criteria provided, single submitter. Criteria: Invitae Variant Classification Sherloc (09022015). Collection method: clinical testing. Allele origin: germline.
Comment: In summary, the available evidence is currently insufficient to determine the role of this variant in disease. Therefore, it has been classified as a Variant of Uncertain Significance. This sequence change replaces glycine with valine at codon 418 of the EIF2B3 protein (p.Gly418Val). The glycine residue is highly conserved and there is a moderate physicochemical difference between glycine and valine. This variant is not present in population databases (ExAC no frequency). This variant has not been reported in the literature in individuals affected with EIF2B3-related conditions. Algorithms developed to predict the effect of missense changes on protein structure and function are either unavailable or do not agree on the potential impact of this missense change (SIFT: "Deleterious"; PolyPhen-2: "Possibly Damaging"; Align-GVGD: "Class C0").

NM_020365.5(EIF2B3):c.1253G>T (p.Gly418Val)

Gene: EIF2B3 (eukaryotic translation initiation factor 2B subunit gamma; minus strand). Cytogenetic location: 1p34.1.
Variant type: single nucleotide variant.
Coding change: c.1253G>T on transcript NM_020365.5 (MANE Select); coding-DNA position 1253, G replaced by T.
Protein change: p.Gly418Val; replaces glycine 418 with valine.
Molecular consequence: missense variant. On other transcripts: intron variant (1).
Genome position (GRCh38, 1-based): chr1:44,857,757, C>A on the plus strand (G>T on the coding strand, the complement: EIF2B3 is on the minus strand). VCF-style: chr1-44857757-C-A. GRCh37 (hg19) VCF-style: chr1-45323429-C-A.
Other names: c.1203-6754G>T (NM_001261418.2); short protein forms G418V.
Identifiers: ClinVar variation 1375184 (VCV001375184.6), dbSNP rs1488491008, ClinGen allele CA340113381.